The following is an entry in ClinVar:

NC_000016.9:g.(?_8829597)_(8858707_?)dup

Gene: ABAT (4-aminobutyrate aminotransferase; plus strand). Cytogenetic location: 16p13.2.
Variant type: Duplication.
Identifiers: ClinVar variation 2426576 (VCV002426576.4).

ClinVar aggregate classification (germline): Uncertain significance (1 of 4 stars; one submission).

Conditions:
Gamma-aminobutyric acid transaminase deficiency (GABATD). Also called: GABA transaminase deficiency; Gamma aminobutyrate transaminase deficiency; 4 alpha aminobutyrate transaminase deficiency; GABA aminotransaminase deficiency. Identifiers: Orphanet 2066, MedGen C0342708, MONDO:0013166, OMIM 613163.

Submission:

Labcorp Genetics (formerly Invitae), Labcorp
Classification: Uncertain significance for Gamma-aminobutyric acid transaminase deficiency. Last evaluated: 2022-08-10. Review status: criteria provided, single submitter. Criteria: Invitae Variant Classification Sherloc (09022015). Collection method: clinical testing. Allele origin: germline.
Comment: This variant results in a copy number gain of the genomic region encompassing exon(s) 2-8 of the ABAT gene. This region includes the initiator codon of the gene. This copy number gain extends beyond the assayed region for this gene and therefore may encompass additional genes. As the precise location of this event is unknown, it may be in tandem or it may be located elsewhere in the genome. This variant has not been reported in the literature in individuals affected with ABAT-related conditions. In summary, the available evidence is currently insufficient to determine the role of this variant in disease. Therefore, it has been classified as a Variant of Uncertain Significance.